The following is an entry in ClinVar:

ClinVar aggregate classification (germline): Likely pathogenic (1 of 4 stars; one submission).

Conditions:
Alport syndrome. Also called: Hemorrhagic familial nephritis; Hemorrhagic hereditary nephritis; Congenital hereditary hematuria. Identifiers: Orphanet 63, MedGen C1567741, MONDO:0018965.

Submission:

Natera, Inc.
Classification: Likely pathogenic for Alport syndrome. Last evaluated: 2025-10-23. Review status: criteria provided, single submitter. Criteria: Natera Variant Classification Schema (03/2026). Collection method: clinical testing. Allele origin: germline.
Comment: The c.3919G>T variant in COL4A3 is a missense variant predicted to cause substitution of glycine to cysteine at amino acid 1307. This variant is rare in the general population with a frequency below the threshold expected for the associated phenotype(s). This variant is located in a functionally critical region of the protein. Computational prediction algorithms indicate this variant is likely to affect gene or protein function. Given the available evidence, this variant is classified as Likely Pathogenic.

NM_000091.5(COL4A3):c.3919G>T (p.Gly1307Cys)

Genes: COL4A3 (collagen type IV alpha 3 chain; plus strand), MFF-DT (MFF divergent transcript; minus strand). Cytogenetic location: 2q36.3.
Variant type: single nucleotide variant.
Coding change: c.3919G>T on transcript NM_000091.5 (MANE Select); coding-DNA position 3919, G replaced by T.
Protein change: p.Gly1307Cys; replaces glycine 1307 with cysteine.
Molecular consequence: missense variant.
Genome position (GRCh38, 1-based): chr2:227,303,074, G>T. VCF-style: chr2-227303074-G-T. GRCh37 (hg19) VCF-style: chr2-228167790-G-T.
Other names: short protein forms G1307C.
Identifiers: ClinVar variation 4817260 (VCV004817260.1).